The following is an entry in ClinVar:

NM_032539.5(SLITRK2):c.1539G>A (p.Gly513=)

Gene: SLITRK2 (SLIT and NTRK like family member 2; plus strand). Cytogenetic location: Xq27.3.
Variant type: single nucleotide variant.
Coding change: c.1539G>A on transcript NM_032539.5 (MANE Select); coding-DNA position 1539, G replaced by A.
Protein change: p.Gly513=; no amino-acid change (glycine 513 retained).
Molecular consequence: synonymous variant.
Genome position (GRCh38, 1-based): chrX:145,823,964, G>A. VCF-style: chrX-145823964-G-A. GRCh37 (hg19) VCF-style: chrX-144905482-G-A.
Other names: c.1539G>A, p.Gly513= (NM_001144003.3, NM_001144004.3, NM_001144005.3 and 4 more transcripts).
Identifiers: ClinVar variation 4085281 (VCV004085281.8).
Genomic context (GRCh38, chrX:145,823,964, plus strand): 5'-GACGGCCCTAACCAGGCTGAATCTGAGAAACAACCATTTTTCTCACCTGCCCGTGAAAGG[G>A]GTTCTGGATCAGCTCCCGGCTTTCATCCAGATAGATCTGCAGGAGAACCCCTGGGACTGT-3'
Protein context (NP_115928.1, residues 503-523): NNHFSHLPVK[Gly513=]VLDQLPAFIQ

ClinVar aggregate classification (germline): Uncertain significance (1 of 4 stars; one submission).

Submission:

CeGaT Center for Human Genetics Tuebingen
Classification: Uncertain significance. Last evaluated: 2025-07-01. Review status: criteria provided, single submitter. Criteria: CeGaT Center For Human Genetics Tuebingen Variant Classification Criteria Version 2. Collection method: clinical testing. Allele origin: germline. Affected: yes. Observed: 1 variant allele.
Comment: SLITRK2: PM2:Supporting, BP4